The following is an entry in ClinVar:

ClinVar aggregate classification (germline): Benign/Likely benign. Review status: criteria provided, multiple submitters, no conflicts (2 of 4 stars). 3 submissions from 3 submitters: Benign (2); Likely benign (1). Last evaluated 2025-10-17.

Conditions:
ALX1-related disorder. Also called: ALX1-related condition.

Allele frequency attached by ClinVar (database versions not stated): ExAC 0.00087; gnomAD 0.00242 and 0.00258; TOPMed 0.00274; ESP Exome Variant Server 0.00315; 1000 Genomes Project 0.00399; 1000 Genomes Project 30x 0.00453.
gnomAD v4.1: 1,000 of 1,612,180 alleles (0.062%); highest among the groups gnomAD compares: African/African-American, 0.85%; 6 homozygotes.

Submissions (3):

Labcorp Genetics (formerly Invitae), Labcorp
Classification: Benign. Last evaluated: 2025-10-17. Review status: criteria provided, single submitter. Criteria: Invitae Variant Classification Sherloc (09022015). Collection method: clinical testing. Allele origin: germline.

PreventionGenetics, part of Exact Sciences
Classification: Benign for ALX1-related condition. Last evaluated: 2025-09-22. Review status: criteria provided, single submitter. Criteria: ACMG Guidelines, 2015. Collection method: clinical testing. Allele origin: germline.
Comment: This variant is classified as benign based on ACMG/AMP sequence variant interpretation guidelines (Richards et al. 2015 PMID: 25741868, with internal and published modifications).

Blueprint Genetics
Classification: Likely benign. Last evaluated: 2024-06-10. Review status: criteria provided, single submitter. Criteria: ACMG Guidelines, 2015. Collection method: clinical testing. Allele origin: germline.

NM_006982.3(ALX1):c.597G>A (p.Ala199=)

Gene: ALX1 (ALX homeobox 1; plus strand). Cytogenetic location: 12q21.31.
Variant type: single nucleotide variant.
Coding change: c.597G>A on transcript NM_006982.3 (MANE Select); coding-DNA position 597, G replaced by A.
Protein change: p.Ala199=; no amino-acid change (alanine 199 retained).
Molecular consequence: synonymous variant.
Genome position (GRCh38, 1-based): chr12:85,286,918, G>A. VCF-style: chr12-85286918-G-A. GRCh37 (hg19) VCF-style: chr12-85680696-G-A.
Identifiers: ClinVar variation 790669 (VCV000790669.11), dbSNP rs79907632, ClinGen allele CA6709562.